The following is an entry in ClinVar:

NM_139285.4(GAS2L2):c.1649A>G (p.His550Arg)

Gene: GAS2L2 (growth arrest specific 2 like 2; minus strand). Cytogenetic location: 17q12.
Variant type: single nucleotide variant.
Coding change: c.1649A>G on transcript NM_139285.4 (MANE Select); coding-DNA position 1649, A replaced by G.
Protein change: p.His550Arg; replaces histidine 550 with arginine.
Molecular consequence: missense variant.
Genome position (GRCh38, 1-based): chr17:35,745,848, T>C on the plus strand (A>G on the coding strand, the complement: GAS2L2 is on the minus strand). VCF-style: chr17-35745848-T-C. GRCh37 (hg19) VCF-style: chr17-34072867-T-C.
Other names: short protein forms H550R.
Identifiers: ClinVar variation 3046687 (VCV003046687.2), dbSNP rs147247523, ClinGen allele CA8506011.
Genomic context (GRCh38, chr17:35,745,848, plus strand): 5'-GCCATGACCTGGATGTCCAGCTGCTGGTCCTCCTGCCTCACTTCCACAGAGCAGTCCCCA[T>C]GCGTGGACCCAGCCAGGTCCACAGTGACGGCCCTTAGTGGGATGGGGTCTCTCCCAAGTT-3'
Protein context (NP_644814.1, residues 540-560): AVTVDLAGST[His550Arg]GDCSVEVRQE

ClinVar aggregate classification (germline): Likely benign (0 of 4 stars; one submission).

Conditions:
GAS2L2-related disorder. Also called: GAS2L2-related condition.

Allele frequency attached by ClinVar (database versions not stated): gnomAD exomes 0.00006; ExAC 0.00022; 1000 Genomes Project 0.00040; 1000 Genomes Project 30x 0.00047; gnomAD 0.00071; TOPMed 0.00086; ESP Exome Variant Server 0.00092.

Submission:

PreventionGenetics, part of Exact Sciences
Classification: Likely benign for GAS2L2-related condition. Last evaluated: 2022-03-06. Review status: no assertion criteria provided. Collection method: clinical testing. Allele origin: germline.
Comment: This variant is classified as likely benign based on ACMG/AMP sequence variant interpretation guidelines (Richards et al. 2015 PMID: 25741868, with internal and published modifications).